The following is an entry in ClinVar:

NM_012418.4(FSCN2):c.932dup (p.Tyr312fs)

Gene: FSCN2 (fascin actin-bundling protein 2, retinal; plus strand). Cytogenetic location: 17q25.3.
Variant type: Duplication.
Coding change: c.932dup on transcript NM_012418.4 (MANE Select); coding-DNA position 932, one base duplicated (G; older notation c.932dupG).
Protein change: p.Tyr312fs; shifts the reading frame from tyrosine 312.
Molecular consequence: frameshift variant.
Genome position (GRCh38, 1-based): chr17:81,535,157, G duplicated; the last of 5 consecutive G bases (chr17:81,535,153-81,535,157); duplicating any one gives the same sequence. VCF-style (leftmost placement, unchanged base first): chr17-81535152-T-TG. GRCh37 (hg19) VCF-style: chr17-79502178-T-TG.
Other names: c.932dup, p.Tyr312fs (NM_001077182.3); short protein forms Y312fs.
Identifiers: ClinVar variation 1465672 (VCV001465672.6), dbSNP rs2143894755, ClinGen allele CA2573154988.

ClinVar aggregate classification (germline): Uncertain significance (1 of 4 stars; one submission).

Submission:

Labcorp Genetics (formerly Invitae), Labcorp
Classification: Uncertain significance. Last evaluated: 2021-04-27. Review status: criteria provided, single submitter. Criteria: Invitae Variant Classification Sherloc (09022015). Collection method: clinical testing. Allele origin: germline.
Comment: This variant has not been reported in the literature in individuals with FSCN2-related conditions. In summary, the available evidence is currently insufficient to determine the role of this variant in disease. Therefore, it has been classified as a Variant of Uncertain Significance. Experimental studies and prediction algorithms are not available or were not evaluated, and the functional significance of this variant is currently unknown. This variant is not present in population databases (ExAC no frequency). This sequence change creates a premature translational stop signal (p.Tyr312Leufs*24) in the FSCN2 gene. It is expected to result in an absent or disrupted protein product. However, the current clinical and genetic evidence is not sufficient to establish whether loss-of-function variants in FSCN2 cause disease.